The following is an entry in ClinVar:

ClinVar aggregate classification (germline): Likely benign. Review status: criteria provided, multiple submitters, no conflicts (2 of 4 stars). 2 submissions from 2 submitters: Likely benign (2). Last evaluated 2018-01-13.

Conditions:
Primary hypomagnesemia (HOMG3). Also called: HYPOMAGNESEMIA 3, RENAL; HYPOMAGNESEMIA, FAMILIAL, WITH HYPERCALCIURIA AND NEPHROCALCINOSIS; HYPOMAGNESEMIA, ISOLATED RENAL; HYPOMAGNESEMIA, PRIMARY, DUE TO DEFECT IN RENAL TUBULAR TRANSPORT OF MAGNESIUM. Identifiers: Orphanet 31043, MedGen C0268448, MONDO:0009550, OMIM 248250.

Allele frequency attached by ClinVar (database versions not stated): 1000 Genomes Project 0.00240; 1000 Genomes Project 30x 0.00250; gnomAD 0.00545 and 0.00570; TOPMed 0.00589; gnomAD exomes 0.00703.
gnomAD v4.1: 4,584 of 687,014 alleles (0.67%); highest among the groups gnomAD compares: Non-Finnish European, 0.94%; 25 homozygotes.

Submissions (4):

Illumina Laboratory Services, Illumina
Classification: Likely benign for Primary hypomagnesemia. Last evaluated: 2018-01-13. Review status: criteria provided, single submitter. Criteria: ICSL Variant Classification Criteria 13 December 2019. Collection method: clinical testing. Allele origin: germline.
Comment: This variant was observed in the ICSL laboratory as part of a predisposition screen in an ostensibly healthy population. It had not been previously curated by ICSL or reported in the Human Gene Mutation Database (HGMD: prior to June 1st, 2018), and was therefore a candidate for classification through an automated scoring system. Utilizing variant allele frequency, disease prevalence and penetrance estimates, and inheritance mode, an automated score was calculated to assess if this variant is too frequent to cause the disease. Based on the score and internal cut-off values, a variant classified as likely benign is not then subjected to further curation. The score for this variant resulted in a classification of likely benign for this disease.

Breakthrough Genomics
Classification: Likely benign. Review status: criteria provided, single submitter. Criteria: ACMG Guidelines, 2015. Collection method: not provided. Allele origin: germline. Inheritance: Autosomal recessive inheritance. Affected: yes.

Dr. Peter K. Rogan Lab, Western University
No classification provided (evidence only). Condition: Malignant tumor of urinary bladder. Review status: no classification provided. Collection method: in vitro. Allele origin: not applicable. Functional consequence: retained intron. Not counted in ClinVar's aggregate classification.

Dr. Peter K. Rogan Lab, Western University
No classification provided (evidence only). Condition: Malignant tumor of urinary bladder. Review status: no classification provided. Collection method: in vitro. Allele origin: not applicable. Functional consequence: retained intron. Not counted in ClinVar's aggregate classification.

NM_006580.4(CLDN16):c.*181C>T

Gene: CLDN16 (claudin 16; plus strand). Cytogenetic location: 3q28.
Variant type: single nucleotide variant.
Coding change: c.*181C>T on transcript NM_006580.4 (MANE Select); 181 bases downstream of the stop codon, C replaced by T.
Molecular consequence: 3 prime UTR variant.
Genome position (GRCh38, 1-based): chr3:190,410,217, C>T. VCF-style: chr3-190410217-C-T. GRCh37 (hg19) VCF-style: chr3-190128006-C-T.
Other names: NC_000003.11:g.190128006C>T; c.*181C>T (NM_001378492.1, NM_001378493.1).
Identifiers: ClinVar variation 900632 (VCV000900632.6), dbSNP rs145675747, ClinGen allele CA89767980.